The following is an entry in ClinVar:

NM_001372.4(DNAH9):c.257G>C (p.Gly86Ala)

Gene: DNAH9 (dynein axonemal heavy chain 9; plus strand). Cytogenetic location: 17p12.
Variant type: single nucleotide variant.
Coding change: c.257G>C on transcript NM_001372.4 (MANE Select); coding-DNA position 257, G replaced by C.
Protein change: p.Gly86Ala; replaces glycine 86 with alanine.
Molecular consequence: missense variant.
Genome position (GRCh38, 1-based): chr17:11,598,755, G>C. VCF-style: chr17-11598755-G-C. GRCh37 (hg19) VCF-style: chr17-11502072-G-C.
Other names: short protein forms G86A.
Identifiers: ClinVar variation 1353955 (VCV001353955.3), dbSNP rs1399328898, ClinGen allele CA398154258.
Genomic context (GRCh38, chr17:11,598,755, plus strand): 5'-AGGGGCCGCGGCCGCTGCTGGTGGTGCGGCCCGGGCCCAGGGGCCTGGCAATACGCCCCG[G>C]GCTGGAGGTGGGACCTGAGTCGGGCCTGGCTGGCGCTAAGGCGCTTTTTTTCCTTCGCAC-3'
Protein context (NP_001363.2, residues 76-96): PGPRGLAIRP[Gly86Ala]LEVGPESGLA

ClinVar aggregate classification (germline): Uncertain significance (1 of 4 stars; one submission).

Allele frequency attached by ClinVar (database versions not stated): TOPMed 0.00001; gnomAD exomes 0.00002.
gnomAD v4.1: 5 of 1,435,736 alleles (0.00035%); highest among the groups gnomAD compares: Admixed American, 0.0028%; no homozygotes.

Submission:

Labcorp Genetics (formerly Invitae), Labcorp
Classification: Uncertain significance. Last evaluated: 2021-07-30. Review status: criteria provided, single submitter. Criteria: Invitae Variant Classification Sherloc (09022015). Collection method: clinical testing. Allele origin: germline.
Comment: This sequence change replaces glycine with alanine at codon 86 of the DNAH9 protein (p.Gly86Ala). The glycine residue is weakly conserved and there is a small physicochemical difference between glycine and alanine. The frequency data for this variant in the population databases is considered unreliable, as metrics indicate insufficient coverage at this position in the ExAC database. This variant has not been reported in the literature in individuals affected with DNAH9-related conditions. Algorithms developed to predict the effect of missense changes on protein structure and function are either unavailable or do not agree on the potential impact of this missense change (SIFT: "Deleterious"; PolyPhen-2: "Benign"; Align-GVGD: "Class C0"). In summary, the available evidence is currently insufficient to determine the role of this variant in disease. Therefore, it has been classified as a Variant of Uncertain Significance.